The following is an entry in ClinVar:

NM_001322934.2(NFKB2):c.2693A>G (p.Gln898Arg)

Gene: NFKB2 (nuclear factor kappa B subunit 2; plus strand). Cytogenetic location: 10q24.32.
Variant type: single nucleotide variant.
Coding change: c.2693A>G on transcript NM_001322934.2 (MANE Select); coding-DNA position 2693, A replaced by G.
Protein change: p.Gln898Arg; replaces glutamine 898 with arginine.
Molecular consequence: missense variant.
Genome position (GRCh38, 1-based): chr10:102,402,366, A>G. VCF-style: chr10-102402366-A-G. GRCh37 (hg19) VCF-style: chr10-104162123-A-G.
Other names: c.2690A>G, p.Gln897Arg (NM_001077493.1, NM_001261403.3, NM_001288724.1 and 1 more transcripts); c.2693A>G, p.Gln898Arg (NM_001077494.3); c.2567A>G, p.Gln856Arg (NM_001322935.1); short protein forms Q856R, Q897R, Q898R.
Identifiers: ClinVar variation 1905980 (VCV001905980.5), dbSNP rs2061282212, ClinGen allele CA377906537.

ClinVar aggregate classification (germline): Uncertain significance (1 of 4 stars; one submission).

Conditions:
Immunodeficiency, common variable, 10. Also called: IMMUNODEFICIENCY, COMMON VARIABLE, WITH CENTRAL ADRENAL INSUFFICIENCY; DEFICIT IN ANTERIOR PITUITARY FUNCTION AND VARIABLE IMMUNODEFICIENCY. Identifiers: MedGen C3809991, MONDO:0014260, OMIM 615577.

Allele frequency attached by ClinVar (database versions not stated): gnomAD exomes below 0.00001.
gnomAD v4.1: 1 of 1,545,390 alleles (0.000065%); highest among the groups gnomAD compares: African/African-American, 0.0014%; no homozygotes.

Submission:

Labcorp Genetics (formerly Invitae), Labcorp
Classification: Uncertain significance for Immunodeficiency, common variable, 10. Last evaluated: 2023-08-17. Review status: criteria provided, single submitter. Criteria: Invitae Variant Classification Sherloc (09022015). Collection method: clinical testing. Allele origin: germline.
Comment: This sequence change replaces glutamine, which is neutral and polar, with arginine, which is basic and polar, at codon 898 of the NFKB2 protein (p.Gln898Arg). In summary, the available evidence is currently insufficient to determine the role of this variant in disease. Therefore, it has been classified as a Variant of Uncertain Significance. An algorithm developed to predict the effect of missense changes on protein structure and function (PolyPhen-2) suggests that this variant is likely to be disruptive. ClinVar contains an entry for this variant (Variation ID: 1905980). This variant has not been reported in the literature in individuals affected with NFKB2-related conditions. This variant is not present in population databases (gnomAD no frequency).